The following is an entry in ClinVar:

ClinVar aggregate classification (germline): Conflicting classifications of pathogenicity. Review status: criteria provided, conflicting classifications (1 of 4 stars). 2 submissions from 2 submitters: Uncertain significance (1); Likely benign (1). Last evaluated 2023-05-04.

Conditions:
Cardiovascular phenotype. Identifiers: MedGen CN230736.
Brugada syndrome. Also called: Sudden unexpected nocturnal death syndrome; Sudden unexplained nocturnal death syndrome; Sudden Unexplained Death Syndrome; Sudden Unexplained Nocturnal Death Syndrome (SUNDS). Identifiers: Orphanet 130, MedGen C1142166, MONDO:0015263.

Allele frequency attached by ClinVar (database versions not stated): gnomAD exomes below 0.00001; ExAC 0.00001; gnomAD 0.00002; TOPMed 0.00002.
gnomAD v4.1: 3 of 1,579,560 alleles (0.00019%); highest among the groups gnomAD compares: African/African-American, 0.004%; no homozygotes.

Submissions (2):

Ambry Genetics
Classification: Uncertain significance for Cardiovascular phenotype. Last evaluated: 2023-05-04. Review status: criteria provided, single submitter. Criteria: Ambry Variant Classification Scheme 2023. Collection method: clinical testing. Allele origin: germline.
Comment: The c.1756-5A>T intronic variant results from an A to T substitution 5 nucleotides upstream from coding exon 12 in the SCN10A gene. This nucleotide position is not well conserved in available vertebrate species. In silico splice site analysis predicts that this alteration will not have any significant effect on splicing. The evidence for this gene-disease relationship is limited; therefore, the clinical significance of this alteration is unclear.

Labcorp Genetics (formerly Invitae), Labcorp
Classification: Likely benign for Brugada syndrome. Last evaluated: 2020-06-21. Review status: criteria provided, single submitter. Criteria: Invitae Variant Classification Sherloc (09022015). Collection method: clinical testing. Allele origin: germline.

NM_006514.4(SCN10A):c.1756-5A>T

Gene: SCN10A (sodium voltage-gated channel alpha subunit 10; minus strand). Cytogenetic location: 3p22.2.
Variant type: single nucleotide variant.
Coding change: c.1756-5A>T on transcript NM_006514.4 (MANE Select); 5 bases into the intron before coding-DNA position 1756, A replaced by T.
Molecular consequence: intron variant.
Genome position (GRCh38, 1-based): chr3:38,750,189, T>A on the plus strand (A>T on the coding strand, the complement: SCN10A is on the minus strand). VCF-style: chr3-38750189-T-A. GRCh37 (hg19) VCF-style: chr3-38791680-T-A.
Other names: c.1462-5A>T (NM_001293307.2); c.1756-5A>T (NM_001293306.2, NM_006514.2).
Identifiers: ClinVar variation 1110822 (VCV001110822.9), dbSNP rs770047247, ClinGen allele CA2320755.